The following is an entry in ClinVar:

ClinVar aggregate classification (germline): Uncertain significance. Review status: criteria provided, multiple submitters, no conflicts (2 of 4 stars). 2 submissions from 2 submitters: Uncertain significance (2). Last evaluated 2022-05-18.

Conditions:
Hereditary antithrombin deficiency (AT3D). Also called: Antithrombin III deficiency; Thrombophilia due to antithrombin III deficiency; Reduced antithrombin III activity; Antithrombin deficiency. Identifiers: Orphanet 82, MedGen C0272375, MONDO:0013144, OMIM 613118, HP:0001976.

Allele frequency attached by ClinVar (database versions not stated): ExAC 0.00001; gnomAD 0.00001; gnomAD exomes 0.00001; TOPMed 0.00001.
gnomAD v4.1: 5 of 1,613,986 alleles (0.00031%); highest among the groups gnomAD compares: Non-Finnish European, 0.00034%; no homozygotes.

Submissions (2):

Labcorp Genetics (formerly Invitae), Labcorp
Classification: Uncertain significance for Hereditary antithrombin deficiency. Last evaluated: 2022-05-18. Review status: criteria provided, single submitter. Criteria: Invitae Variant Classification Sherloc (09022015). Collection method: clinical testing. Allele origin: germline.
Comment: In summary, the available evidence is currently insufficient to determine the role of this variant in disease. Therefore, it has been classified as a Variant of Uncertain Significance. Algorithms developed to predict the effect of missense changes on protein structure and function are either unavailable or do not agree on the potential impact of this missense change (SIFT: "Deleterious"; PolyPhen-2: "Benign"; Align-GVGD: "Class C15"). This variant has not been reported in the literature in individuals affected with SERPINC1-related conditions. This variant is present in population databases (rs759821949, gnomAD 0.0009%). This sequence change replaces tyrosine, which is neutral and polar, with phenylalanine, which is neutral and non-polar, at codon 292 of the SERPINC1 protein (p.Tyr292Phe).

ISTH-SSC Genomics in Thrombosis and Hemostasis, KU Leuven, Center for Molecular and Vascular Biology
Classification: Uncertain significance for Hereditary antithrombin deficiency. Review status: criteria provided, single submitter. Criteria: ACMG Guidelines, 2015. Collection method: clinical testing. Allele origin: germline. Affected: yes. Observed: 1 heterozygote.
Comment: Submitted to the GoldVariant database by Kathleen Freson, Center for Molecular and Vascular Biology

NM_000488.4(SERPINC1):c.875A>T (p.Tyr292Phe)

Gene: SERPINC1 (serpin family C member 1; minus strand). Cytogenetic location: 1q25.1.
Variant type: single nucleotide variant.
Coding change: c.875A>T on transcript NM_000488.4 (MANE Select); coding-DNA position 875, A replaced by T.
Protein change: p.Tyr292Phe; replaces tyrosine 292 with phenylalanine.
Molecular consequence: missense variant.
Genome position (GRCh38, 1-based): chr1:173,909,830, T>A on the plus strand (A>T on the coding strand, the complement: SERPINC1 is on the minus strand). VCF-style: chr1-173909830-T-A. GRCh37 (hg19) VCF-style: chr1-173878968-T-A.
Other names: c.731A>T, p.Tyr244Phe (NM_001365052.2); c.998A>T, p.Tyr333Phe (NM_001386302.1); c.956A>T, p.Tyr319Phe (NM_001386303.1); c.854A>T, p.Tyr285Phe (NM_001386304.1); c.818A>T, p.Tyr273Phe (NM_001386305.1); c.659A>T, p.Tyr220Phe (NM_001386306.1); short protein forms Y220F, Y244F, Y273F, Y285F, Y292F, Y319F, Y333F.
Identifiers: ClinVar variation 2417121 (VCV002417121.7), dbSNP rs759821949, ClinGen allele CA1251320.
Genomic context (GRCh38, chr1:173,909,830, plus strand): 5'-GTGATGTCATCACCTTTGAAGGGCAACTCAAGCACCTGGGTGCCTTCAGCCACGCGCCGA[T>A]AACGGAACTTGCCTTCCTGGTACATCATAGATGCTGAACACGACTCTCCATCAGCCTTGT-3'
Protein context (NP_000479.1, residues 282-302): SMMYQEGKFR[Tyr292Phe]RRVAEGTQVL